The following is an entry in ClinVar:

NM_005530.3(IDH3A):c.621A>G (p.Ser207=)

Gene: IDH3A (isocitrate dehydrogenase (NAD(+)) 3 catalytic subunit alpha; plus strand). Cytogenetic location: 15q25.1.
Variant type: single nucleotide variant.
Coding change: c.621A>G on transcript NM_005530.3 (MANE Select); coding-DNA position 621, A replaced by G.
Protein change: p.Ser207=; no amino-acid change (serine 207 retained).
Molecular consequence: synonymous variant.
Genome position (GRCh38, 1-based): chr15:78,163,516, A>G. VCF-style: chr15-78163516-A-G. GRCh37 (hg19) VCF-style: chr15-78455858-A-G.
Identifiers: ClinVar variation 2119024 (VCV002119024.4), dbSNP rs2548838431, ClinGen allele CA491606036.

ClinVar aggregate classification (germline): Uncertain significance (1 of 4 stars; one submission).

Allele frequency attached by ClinVar (database versions not stated): gnomAD exomes below 0.00001.
gnomAD v4.1: 1 of 1,610,404 alleles (0.000062%); highest among the groups gnomAD compares: Non-Finnish European, 0.000085%; no homozygotes.

Submission:

Labcorp Genetics (formerly Invitae), Labcorp
Classification: Uncertain significance. Last evaluated: 2022-03-28. Review status: criteria provided, single submitter. Criteria: Invitae Variant Classification Sherloc (09022015). Collection method: clinical testing. Allele origin: germline.
Comment: This variant is not present in population databases (gnomAD no frequency). This variant has not been reported in the literature in individuals affected with IDH3A-related conditions. Algorithms developed to predict the effect of sequence changes on RNA splicing suggest that this variant may disrupt the consensus splice site. In summary, the available evidence is currently insufficient to determine the role of this variant in disease. Therefore, it has been classified as a Variant of Uncertain Significance. This sequence change affects codon 207 of the IDH3A mRNA. It is a 'silent' change, meaning that it does not change the encoded amino acid sequence of the IDH3A protein.